The following is an entry in ClinVar:

ClinVar aggregate classification (germline): Benign (1 of 4 stars; one submission).

Conditions:
MELAS syndrome (MELAS). Also called: Juvenile myopathy, encephalopathy, lactic acidosis, stroke. Identifiers: Orphanet 550, MedGen C0162671, MONDO:0010789, OMIM 540000.

Submission:

Wong Mito Lab, Molecular and Human Genetics, Baylor College of Medicine
Classification: Benign for MELAS syndrome. Last evaluated: 2019-07-12. Review status: criteria provided, single submitter. Criteria: Modified ACMG Guidelines (Unpublished). Collection method: clinical testing. Allele origin: germline.
Comment: The NC_012920.1:m.12248A>G variant in MT-TS2 gene is interpreted to be a Benign variant based on the modified ACMG guidelines (unpublished). This variant meets the following evidence codes reported in the guidelines: BS1, BS2, BP4

Literature cited by the submitters: PubMed 31965079.

NC_012920.1(MT-TS2):m.12248A>G

Gene: MT-TS2 (mitochondrially encoded tRNA serine 2 (AGU/C); plus strand).
Variant type: single nucleotide variant.
Genome position: chrM-12248-A-G.
Identifiers: ClinVar variation 690174 (VCV000690174.1), dbSNP rs202114991, ClinGen allele CA337099427.